The following is an entry in ClinVar:

NM_032608.7(MYO18B):c.1935G>A (p.Trp645Ter)

Gene: MYO18B (myosin XVIIIB; plus strand). Cytogenetic location: 22q12.1.
Variant type: single nucleotide variant.
Coding change: c.1935G>A on transcript NM_032608.7 (MANE Select); coding-DNA position 1935, G replaced by A.
Protein change: p.Trp645Ter; replaces tryptophan 645 with a stop codon.
Molecular consequence: nonsense.
Genome position (GRCh38, 1-based): chr22:25,777,648, G>A. VCF-style: chr22-25777648-G-A. GRCh37 (hg19) VCF-style: chr22-26173615-G-A.
Other names: c.1935G>A, p.Trp645Ter (NM_001318245.2); short protein forms W645*.
Identifiers: ClinVar variation 1965493 (VCV001965493.5), dbSNP rs1469935655, ClinGen allele CA410992748.

ClinVar aggregate classification (germline): Pathogenic (1 of 4 stars; one submission).

Allele frequency attached by ClinVar (database versions not stated): gnomAD exomes below 0.00001; TOPMed below 0.00001.
gnomAD v4.1: 1 of 1,612,546 alleles (0.000062%); highest among the groups gnomAD compares: Admixed American, 0.0017%; no homozygotes.

Submission:

Labcorp Genetics (formerly Invitae), Labcorp
Classification: Pathogenic. Last evaluated: 2023-11-17. Review status: criteria provided, single submitter. Criteria: Invitae Variant Classification Sherloc (09022015). Collection method: clinical testing. Allele origin: germline.
Comment: This sequence change creates a premature translational stop signal (p.Trp645*) in the MYO18B gene. It is expected to result in an absent or disrupted protein product. Loss-of-function variants in MYO18B are known to be pathogenic (PMID: 25748484, 32184166, 32637634). The frequency data for this variant in the population databases is considered unreliable, as metrics indicate poor data quality at this position in the gnomAD database. This variant has not been reported in the literature in individuals affected with MYO18B-related conditions. ClinVar contains an entry for this variant (Variation ID: 1965493). For these reasons, this variant has been classified as Pathogenic.

Literature cited by the submitters: PubMed 25748484; PubMed 32184166; PubMed 32637634.